The following is an entry in ClinVar:

ClinVar aggregate classification (germline): Uncertain significance (1 of 4 stars; one submission).

Allele frequency attached by ClinVar (database versions not stated): gnomAD 0.00001; gnomAD exomes 0.00001; TOPMed 0.00001.
gnomAD v4.1: 9 of 1,614,054 alleles (0.00056%); highest among the groups gnomAD compares: East Asian, 0.0022%; no homozygotes.

Submission:

Labcorp Genetics (formerly Invitae), Labcorp
Classification: Uncertain significance. Last evaluated: 2022-09-19. Review status: criteria provided, single submitter. Criteria: Invitae Variant Classification Sherloc (09022015). Collection method: clinical testing. Allele origin: germline.
Comment: This variant has not been reported in the literature in individuals affected with STAT4-related conditions. In summary, the available evidence is currently insufficient to determine the role of this variant in disease. Therefore, it has been classified as a Variant of Uncertain Significance. Advanced modeling of protein sequence and biophysical properties (such as structural, functional, and spatial information, amino acid conservation, physicochemical variation, residue mobility, and thermodynamic stability) performed at Invitae indicates that this missense variant is expected to disrupt STAT4 protein function. ClinVar contains an entry for this variant (Variation ID: 1437037). This variant is present in population databases (no rsID available, gnomAD 0.004%). This sequence change replaces serine, which is neutral and polar, with leucine, which is neutral and non-polar, at codon 504 of the STAT4 protein (p.Ser504Leu).

NM_003151.4(STAT4):c.1511C>T (p.Ser504Leu)

Gene: STAT4 (signal transducer and activator of transcription 4; minus strand). Cytogenetic location: 2q32.2.
Variant type: single nucleotide variant.
Coding change: c.1511C>T on transcript NM_003151.4 (MANE Select); coding-DNA position 1511, C replaced by T.
Protein change: p.Ser504Leu; replaces serine 504 with leucine.
Molecular consequence: missense variant.
Genome position (GRCh38, 1-based): chr2:191,036,223, G>A on the plus strand (C>T on the coding strand, the complement: STAT4 is on the minus strand). VCF-style: chr2-191036223-G-A. GRCh37 (hg19) VCF-style: chr2-191900949-G-A.
Other names: c.1511C>T, p.Ser504Leu (NM_001243835.2); short protein forms S504L.
Identifiers: ClinVar variation 1437037 (VCV001437037.8), dbSNP rs1235014939, ClinGen allele CA349909800.